The following is an entry in ClinVar:

NM_052947.4(ALPK2):c.3393T>G (p.Ser1131Arg)

Gene: ALPK2 (alpha kinase 2; minus strand). Cytogenetic location: 18q21.31.
Variant type: single nucleotide variant.
Coding change: c.3393T>G on transcript NM_052947.4 (MANE Select); coding-DNA position 3393, T replaced by G.
Protein change: p.Ser1131Arg; replaces serine 1131 with arginine.
Molecular consequence: missense variant.
Genome position (GRCh38, 1-based): chr18:58,536,794, A>C on the plus strand (T>G on the coding strand, the complement: ALPK2 is on the minus strand). VCF-style: chr18-58536794-A-C. GRCh37 (hg19) VCF-style: chr18-56204026-A-C.
Other names: short protein forms S1131R.
Identifiers: ClinVar variation 3529960 (VCV003529960.1).

ClinVar aggregate classification (germline): Uncertain significance (1 of 4 stars; one submission).

gnomAD v4.1: 2 of 1,613,832 alleles (0.00012%); highest among the groups gnomAD compares: African/African-American, 0.0027%; no homozygotes.

Submission:

Ambry Genetics
Classification: Uncertain significance. Last evaluated: 2024-08-17. Review status: criteria provided, single submitter. Criteria: Ambry Variant Classification Scheme 2023. Collection method: clinical testing. Allele origin: germline.
Comment: The p.S1131R variant (also known as c.3393T>G), located in coding exon 4 of the ALPK2 gene, results from a T to G substitution at nucleotide position 3393. The serine at codon 1131 is replaced by arginine, an amino acid with dissimilar properties. This amino acid position is conserved. In addition, this alteration is predicted to be tolerated by in silico analysis. Based on the available evidence, the clinical significance of this variant remains unclear.